The following is an entry in ClinVar:

ClinVar aggregate classification (germline): Uncertain significance. Review status: criteria provided, multiple submitters, no conflicts (2 of 4 stars). 2 submissions from 2 submitters: Uncertain significance (2). Last evaluated 2025-04-10.

Conditions:
Inborn genetic diseases. Identifiers: MedGen C0950123, MeSH D030342.

Allele frequency attached by ClinVar (database versions not stated): gnomAD exomes below 0.00001; TOPMed below 0.00001.
gnomAD v4.1: 6 of 1,613,236 alleles (0.00037%); highest among the groups gnomAD compares: East Asian, 0.0022%; no homozygotes.

Submissions (2):

Ambry Genetics
Classification: Uncertain significance for Inborn genetic diseases. Last evaluated: 2025-04-10. Review status: criteria provided, single submitter. Criteria: Ambry Variant Classification Scheme 2023. Collection method: clinical testing. Allele origin: germline.

Labcorp Genetics (formerly Invitae), Labcorp
Classification: Uncertain significance. Last evaluated: 2022-08-04. Review status: criteria provided, single submitter. Criteria: Invitae Variant Classification Sherloc (09022015). Collection method: clinical testing. Allele origin: germline.
Comment: This variant has not been reported in the literature in individuals affected with C3-related conditions. This variant is not present in population databases (gnomAD no frequency). This sequence change replaces threonine, which is neutral and polar, with alanine, which is neutral and non-polar, at codon 1373 of the C3 protein (p.Thr1373Ala). In summary, the available evidence is currently insufficient to determine the role of this variant in disease. Therefore, it has been classified as a Variant of Uncertain Significance. Algorithms developed to predict the effect of missense changes on protein structure and function (SIFT, PolyPhen-2, Align-GVGD) all suggest that this variant is likely to be tolerated.

NM_000064.4(C3):c.4117A>G (p.Thr1373Ala)

Gene: C3 (complement C3; minus strand). Cytogenetic location: 19p13.3.
Variant type: single nucleotide variant.
Coding change: c.4117A>G on transcript NM_000064.4 (MANE Select); coding-DNA position 4117, A replaced by G.
Protein change: p.Thr1373Ala; replaces threonine 1373 with alanine.
Molecular consequence: missense variant.
Genome position (GRCh38, 1-based): chr19:6,684,563, T>C on the plus strand (A>G on the coding strand, the complement: C3 is on the minus strand). VCF-style: chr19-6684563-T-C. GRCh37 (hg19) VCF-style: chr19-6684574-T-C.
Other names: short protein forms T1373A.
Identifiers: ClinVar variation 1910384 (VCV001910384.6), dbSNP rs1568211382, ClinGen allele CA403616990.